The following is an entry in ClinVar:

NM_001023.4(RPS20):c.4-19_4-18delinsCTC

Gene: RPS20 (ribosomal protein S20; minus strand). Cytogenetic location: 8q12.1.
Variant type: Indel.
Coding change: c.4-19_4-18delinsCTC on transcript NM_001023.4 (MANE Select); 19 bases into the intron before coding-DNA position 4 through 18 bases into the intron before coding-DNA position 4, TT replaced by CTC.
Molecular consequence: intron variant.
Genome position (GRCh38, 1-based): chr8:56,074,177-56,074,178, AA replaced by GAG on the plus strand (TT replaced by CTC on the coding strand, the reverse complement: RPS20 is on the minus strand). VCF-style: chr8-56074177-AA-GAG. GRCh37 (hg19) VCF-style: chr8-56986736-AA-GAG.
Other names: c.4-19_4-18delinsCTC (NM_001146227.3).
Identifiers: ClinVar variation 5042361 (VCV005042361.1).

ClinVar aggregate classification (germline): Likely benign (1 of 4 stars; one submission).

Conditions:
Familial colorectal cancer type X. Identifiers: Orphanet 440437, MedGen C3896578, MONDO:0018604.

Submission:

Myriad Genetics, Inc.
Classification: Likely benign for Familial colorectal cancer type X. Last evaluated: 2026-07-31. Review status: criteria provided, single submitter. Criteria: Myriad Autosomal Dominant, Autosomal Recessive and X-Linked Classification Criteria (2023). Collection method: clinical testing. Allele origin: unknown.
Comment: This variant is considered likely benign. This variant is intronic and is not expected to impact mRNA splicing.